The following is an entry in ClinVar:

ClinVar aggregate classification (germline): Uncertain significance (1 of 4 stars; one submission).

Conditions:
Intellectual developmental disorder, autosomal recessive 61. Also called: ALWADEI SYNDROME; Intellectual disability, autosomal recessive 61; MENTAL RETARDATION, AUTOSOMAL RECESSIVE 61. Identifiers: MedGen C4540424, MONDO:0030915, OMIM 617773.

Allele frequency attached by ClinVar (database versions not stated): ExAC 0.00002; gnomAD 0.00001 and below 0.00001; gnomAD exomes 0.00001.
gnomAD v4.1: 9 of 1,581,358 alleles (0.00057%); highest among the groups gnomAD compares: South Asian, 0.011%; no homozygotes.

Submission:

Baylor Genetics
Classification: Uncertain significance for Intellectual developmental disorder, autosomal recessive 61. Last evaluated: 2019-08-08. Review status: criteria provided, single submitter. Criteria: ACMG Guidelines, 2015. Collection method: clinical testing. Allele origin: unknown. Affected: yes.
Comment: This variant was determined to be of uncertain significance according to ACMG Guidelines, 2015 [PMID:25741868].

NM_014806.5(RUSC2):c.380C>T (p.Thr127Ile)

Gene: RUSC2 (RUN and SH3 domain containing 2; plus strand). Cytogenetic location: 9p13.3.
Variant type: single nucleotide variant.
Coding change: c.380C>T on transcript NM_014806.5 (MANE Select); coding-DNA position 380, C replaced by T.
Protein change: p.Thr127Ile; replaces threonine 127 with isoleucine.
Molecular consequence: missense variant. On other transcripts: non-coding transcript variant (1), intron variant (1).
Genome position (GRCh38, 1-based): chr9:35,546,901, C>T. VCF-style: chr9-35546901-C-T. GRCh37 (hg19) VCF-style: chr9-35546898-C-T.
Other names: c.380C>T, p.Thr127Ile (NM_001135999.2); c.-620-8159C>T (NM_001330740.2); short protein forms T127I.
Identifiers: ClinVar variation 1027722 (VCV001027722.2), dbSNP rs762004622, ClinGen allele CA5043456.
Genomic context (GRCh38, chr9:35,546,901, plus strand): 5'-AGGGTGTGGGTGAGCCAGGACTTGGTGACCTGTATGATGACAGCATTGGTGACAGTGCCA[C>T]CCAGCAGTCCTTCCACCTGCATGGCACTGGCCAGCCCAACTTTCATCTATCCTCTTTCCA-3'
Protein context (NP_055621.2, residues 117-137): LYDDSIGDSA[Thr127Ile]QQSFHLHGTG